The following is an entry in ClinVar:

NM_025074.7(FRAS1):c.5030C>T (p.Ser1677Phe)

Gene: FRAS1 (Fraser extracellular matrix complex subunit 1; plus strand). Cytogenetic location: 4q21.21.
Variant type: single nucleotide variant.
Coding change: c.5030C>T on transcript NM_025074.7 (MANE Select); coding-DNA position 5030, C replaced by T.
Protein change: p.Ser1677Phe; replaces serine 1677 with phenylalanine.
Molecular consequence: missense variant.
Genome position (GRCh38, 1-based): chr4:78,432,417, C>T. VCF-style: chr4-78432417-C-T. GRCh37 (hg19) VCF-style: chr4-79353571-C-T.
Other names: c.5030C>T, p.Ser1677Phe (NM_001166133.2); short protein forms S1677F.
Identifiers: ClinVar variation 2104997 (VCV002104997.4), dbSNP rs376621772, ClinGen allele CA2977408.
Genomic context (GRCh38, chr4:78,432,417, plus strand): 5'-GTGACACTTTCACCTATGAGGATGTTGAGAAAAATGCTCTACAGTATATACATGATGGTT[C>T]CTCTACCCGGGAAGACAGCATGGAGATCTCAGTCACAGATGGCCTCACAGTGACAATGCT-3'
Protein context (NP_079350.5, residues 1667-1687): KNALQYIHDG[Ser1677Phe]STREDSMEIS

ClinVar aggregate classification (germline): Uncertain significance (1 of 4 stars; one submission).

Allele frequency attached by ClinVar (database versions not stated): gnomAD 0.00001; TOPMed 0.00001; gnomAD exomes below 0.00001; ExAC 0.00001; ESP Exome Variant Server 0.00008.
gnomAD v4.1: 2 of 1,611,580 alleles (0.00012%); highest among the groups gnomAD compares: African/African-American, 0.0027%; no homozygotes.

Submission:

Labcorp Genetics (formerly Invitae), Labcorp
Classification: Uncertain significance. Last evaluated: 2025-06-12. Review status: criteria provided, single submitter. Criteria: Invitae Variant Classification Sherloc (09022015). Collection method: clinical testing. Allele origin: germline.
Comment: This sequence change replaces serine, which is neutral and polar, with phenylalanine, which is neutral and non-polar, at codon 1677 of the FRAS1 protein (p.Ser1677Phe). This variant is present in population databases (rs376621772, gnomAD 0.007%). This variant has not been reported in the literature in individuals affected with FRAS1-related conditions. ClinVar contains an entry for this variant (Variation ID: 2104997). Invitae Evidence Modeling of protein sequence and biophysical properties (such as structural, functional, and spatial information, amino acid conservation, physicochemical variation, residue mobility, and thermodynamic stability) indicates that this missense variant is not expected to disrupt FRAS1 protein function with a negative predictive value of 80%. In summary, the available evidence is currently insufficient to determine the role of this variant in disease. Therefore, it has been classified as a Variant of Uncertain Significance.